The following is an entry in ClinVar:

NM_080680.3(COL11A2):c.4864-32_4864-7del

Gene: COL11A2 (collagen type XI alpha 2 chain; minus strand). Cytogenetic location: 6p21.32.
Variant type: Microsatellite.
Coding change: c.4864-32_4864-7del on transcript NM_080680.3 (MANE Select); 32 bases into the intron before coding-DNA position 4864 through 7 bases into the intron before coding-DNA position 4864, 26 bases deleted (CCCTCTGAGGCCAGCCCTCTCTCTCC).
Molecular consequence: intron variant.
Genome position (GRCh38, 1-based): chr6:33,164,480-33,164,505, GGAGAGAGAGGGCTGGCCTCAGAGGG deleted on the plus strand (CCCTCTGAGGCCAGCCCTCTCTCTCC on the coding strand, the reverse complement: COL11A2 is on the minus strand); deleting any 26 consecutive bases within chr6:33,164,480-33,164,531 gives the same sequence; the c. name uses the placement nearest the transcript's 3' end. VCF-style (leftmost placement, unchanged base first): chr6-33164479-AGGAGAGAGAGGGCTGGCCTCAGAGGG-A. GRCh37 (hg19) VCF-style: chr6-33132256-AGGAGAGAGAGGGCTGGCCTCAGAGGG-A.
Other names: c.4543-32_4543-7del (NM_080679.3); c.4606-32_4606-7del (NM_080681.3); c.4864-32_4864-7del26 (NM_080680.3, NM_080680.2).
Identifiers: ClinVar variation 681034 (VCV000681034.16), dbSNP rs767389906, ClinGen allele CA3749966.
Genomic context (GRCh38, chr6:33,164,479, plus strand): 5'-GGAAGGTGAGCTGGACCACACCCACTGGGGAGCCCTCTGAGTCCACGTAAGAGAACTGGA[AGGAGAGAGAGGGCTGGCCTCAGAGGG>A]GGAGAGAGAGGGCTGGCCTCAGAGGGAGACAGAGACGGGCCTCAGGAGCATCTACGGCAC-3'

ClinVar aggregate classification (germline): Likely benign. Review status: criteria provided, multiple submitters, no conflicts (2 of 4 stars). 5 submissions from 5 submitters: Likely benign (4). 1 of the submissions does not count toward it. Last evaluated 2026-06-24.

Conditions:
COL11A2-related disorder. Also called: COL11A2-related condition; COL11A2-related disorders.

Submissions (5):

Women's Health and Genetics/Laboratory Corporation of America, LabCorp
Classification: Likely benign. Last evaluated: 2026-06-24. Review status: criteria provided, single submitter. Criteria: LabCorp Variant Classification Summary - May 2015. Collection method: clinical testing. Allele origin: germline.
Comment: Variant summary: COL11A2 c.4864-32_4864-7del26 alters a stretch of nucleotides located at a position not widely known to affect splicing. Consensus agreement among computation tools predict no significant impact on normal splicing. However, these predictions have yet to be confirmed by functional studies. The variant allele was found at a frequency of 4.1e-05 in 146384 control chromosomes. The available data on variant occurrences in the general population are insufficient to allow any conclusion about variant significance. To our knowledge, no occurrence of c.4864-32_4864-7del26 in individuals affected with COL11A2-related conditions and no experimental evidence demonstrating its impact on protein function have been reported. ClinVar contains an entry for this variant (Variation ID: 681034). Based on the evidence outlined above, the variant was classified as likely benign.

Labcorp Genetics (formerly Invitae), Labcorp
Classification: Likely benign. Last evaluated: 2026-01-28. Review status: criteria provided, single submitter. Criteria: Invitae Variant Classification Sherloc (09022015). Collection method: clinical testing. Allele origin: germline.

Blueprint Genetics
Classification: Likely benign. Last evaluated: 2023-10-25. Review status: criteria provided, single submitter. Criteria: ACMG Guidelines, 2015. Collection method: clinical testing. Allele origin: germline.

GeneDx
Classification: Likely benign. Last evaluated: 2023-06-27. Review status: criteria provided, single submitter. Criteria: GeneDx Variant Classification Process June 2021. Collection method: clinical testing. Allele origin: germline. Affected: yes.
Comment: See Variant Classification Assertion Criteria.

PreventionGenetics, part of Exact Sciences
Classification: Likely benign for COL11A2-related condition. Last evaluated: 2023-07-15. Review status: no assertion criteria provided. Collection method: clinical testing. Allele origin: germline. Not counted in ClinVar's aggregate classification.
Comment: This variant is classified as likely benign based on ACMG/AMP sequence variant interpretation guidelines (Richards et al. 2015 PMID: 25741868, with internal and published modifications).